The following is an entry in ClinVar:

ClinVar aggregate classification (germline): Uncertain significance. Review status: criteria provided, single submitter (1 of 4 stars). 2 submissions from 2 submitters: Uncertain significance (1). 1 of the submissions does not count toward it. Last evaluated 2022-03-18.

Conditions:
Alstrom syndrome (ALMS). Identifiers: Orphanet 64, MedGen C0268425, MONDO:0008763, OMIM 203800.

Allele frequency attached by ClinVar (database versions not stated): gnomAD exomes below 0.00001 and 0.00001; ExAC 0.00001.
gnomAD v4.1: 8 of 1,613,932 alleles (0.0005%); highest among the groups gnomAD compares: Non-Finnish European, 0.00051%; no homozygotes.

Submissions (2):

Labcorp Genetics (formerly Invitae), Labcorp
Classification: Uncertain significance for Alstrom syndrome. Last evaluated: 2022-03-18. Review status: criteria provided, single submitter. Criteria: Invitae Variant Classification Sherloc (09022015). Collection method: clinical testing. Allele origin: germline.
Comment: This sequence change replaces leucine, which is neutral and non-polar, with valine, which is neutral and non-polar, at codon 2260 of the ALMS1 protein (p.Leu2260Val). This variant is present in population databases (rs748833907, gnomAD 0.0009%). This variant has not been reported in the literature in individuals affected with ALMS1-related conditions. ClinVar contains an entry for this variant (Variation ID: 990694). Experimental studies and prediction algorithms are not available or were not evaluated, and the functional significance of this variant is currently unknown. In summary, the available evidence is currently insufficient to determine the role of this variant in disease. Therefore, it has been classified as a Variant of Uncertain Significance.

Natera, Inc.
Classification: Uncertain significance for Alstrom syndrome. Last evaluated: 2020-09-04. Review status: no assertion criteria provided. Collection method: clinical testing. Allele origin: germline. Not counted in ClinVar's aggregate classification.

NM_001378454.1(ALMS1):c.6775C>G (p.Leu2259Val)

Gene: ALMS1 (ALMS1 centrosome and basal body associated protein; plus strand). Cytogenetic location: 2p13.1.
Variant type: single nucleotide variant.
Coding change: c.6775C>G on transcript NM_001378454.1 (MANE Select); coding-DNA position 6775, C replaced by G.
Protein change: p.Leu2259Val; replaces leucine 2259 with valine.
Molecular consequence: missense variant.
Genome position (GRCh38, 1-based): chr2:73,453,302, C>G. VCF-style: chr2-73453302-C-G. GRCh37 (hg19) VCF-style: chr2-73680429-C-G.
Other names: c.6778C>G, p.Leu2260Val (NM_015120.4); short protein forms L2259V, L2260V.
Identifiers: ClinVar variation 990694 (VCV000990694.5), dbSNP rs748833907, ClinGen allele CA1714118.
Genomic context (GRCh38, chr2:73,453,302, plus strand): 5'-GCAGGTTTTAGAGATGTTGGCTCTGAAGAAATCCAGGATGCAGAAAATAGTGCTAAAACT[C>G]TTAAGGAAATTCGGACACTTTTGATGGAGGCAGAAAATATGGCACTGAAACGATGCAATT-3'
Protein context (NP_001365383.1, residues 2249-2269): IQDAENSAKT[Leu2259Val]KEIRTLLMEA